The following is an entry in ClinVar:

ClinVar aggregate classification (germline): Likely pathogenic (1 of 4 stars; one submission).

Conditions:
Intellectual developmental disorder, autosomal dominant 6, with or without seizures. Also called: GRIN2B-related developmental delay, intellectual disability and autism spectrum disorder; Intellectual disability, autosomal dominant 6. Identifiers: Orphanet 589547, MedGen C3151411, MONDO:0013509, OMIM 613970.

Submission:

Institute of Human Genetics, University of Leipzig Medical Center
Classification: Likely pathogenic for Intellectual developmental disorder, autosomal dominant 6, with or without seizures. Last evaluated: 2017-04-04. Review status: criteria provided, single submitter. Criteria: ACMG Guidelines, 2015. Collection method: clinical testing. Allele origin: de novo. Affected: yes.
Comment: This variant was identified as de novo (maternity and paternity confirmed).

Literature cited by the submitters: PubMed 28377535.

NM_000834.5(GRIN2B):c.1845C>G (p.Asn615Lys)

Gene: GRIN2B (glutamate ionotropic receptor NMDA type subunit 2B; minus strand). Cytogenetic location: 12p13.1.
Variant type: single nucleotide variant.
Coding change: c.1845C>G on transcript NM_000834.5 (MANE Select); coding-DNA position 1845, C replaced by G.
Protein change: p.Asn615Lys; replaces asparagine 615 with lysine.
Molecular consequence: missense variant.
Genome position (GRCh38, 1-based): chr12:13,608,768, G>C on the plus strand (C>G on the coding strand, the complement: GRIN2B is on the minus strand). VCF-style: chr12-13608768-G-C. GRCh37 (hg19) VCF-style: chr12-13761702-G-C.
Other names: short protein forms N615K.
Identifiers: ClinVar variation 916607 (VCV000916607.1), dbSNP rs1949321538, ClinGen allele CA384051220.